The following is an entry in ClinVar:

NM_000138.5(FBN1):c.2785A>T (p.Thr929Ser)

Gene: FBN1 (fibrillin 1; minus strand). Cytogenetic location: 15q21.1.
Variant type: single nucleotide variant.
Coding change: c.2785A>T on transcript NM_000138.5 (MANE Select); coding-DNA position 2785, A replaced by T.
Protein change: p.Thr929Ser; replaces threonine 929 with serine.
Molecular consequence: missense variant.
Genome position (GRCh38, 1-based): chr15:48,492,530, T>A on the plus strand (A>T on the coding strand, the complement: FBN1 is on the minus strand). VCF-style: chr15-48492530-T-A. GRCh37 (hg19) VCF-style: chr15-48784727-T-A.
Other names: short protein forms T929S.
Identifiers: ClinVar variation 495580 (VCV000495580.3), dbSNP rs372203315, ClinGen allele CA048851.

ClinVar aggregate classification (germline): Uncertain significance. Review status: criteria provided, multiple submitters, no conflicts (2 of 4 stars). 3 submissions from 3 submitters: Uncertain significance (3). Last evaluated 2024-07-29.

Conditions:
Weill-Marchesani syndrome 2, dominant. Also called: FBN1-Related Weill-Marchesani Syndrome; Weill-Marchesani Syndrome, Autosomal Dominant. Identifiers: Orphanet 2084, MedGen C1869115, MONDO:0012013, OMIM 608328.
Ectopia lentis 1, isolated, autosomal dominant (ECTOL1). Identifiers: Orphanet 1885, MedGen C3541518, MONDO:0007514, OMIM 129600.
Marfan syndrome (MFS). Also called: MARFAN SYNDROME, TYPE I; FBN1-Related Marfan Syndrome; Marfan syndrome type 1; Marfan's syndrome; Marfan syndrome, classic. Identifiers: Orphanet 284963, Orphanet 558, MedGen C0024796, MONDO:0007947, OMIM 154700.
Stiff skin syndrome (SSKS). Identifiers: Orphanet 2833, MedGen C1861456, MONDO:0008492, OMIM 184900.
Acromicric dysplasia (ACMICD). Also called: Acromicric skeletal dysplasia. Identifiers: Orphanet 969, MedGen C0265287, MONDO:0007055, OMIM 102370.
Progeroid and marfanoid aspect-lipodystrophy syndrome. Also called: MARFANOID-PROGEROID SYNDROME; MARFAN-PROGEROID-LIPODYSTROPHY SYNDROME; Marfan lipodystrophy syndrome; MARFANOID-PROGEROID-LIPODYSTROPHY SYNDROME. Identifiers: Orphanet 300382, MedGen C4310796, MONDO:0014831, OMIM 616914.
MASS syndrome (OCTD). Also called: MASS PHENOTYPE; OVERLAP CONNECTIVE TISSUE DISEASE. Identifiers: MedGen C1858556, MONDO:0011431, OMIM 604308.
Geleophysic dysplasia 2 (GPHYSD2). Identifiers: Orphanet 2623, MedGen C3280054, MONDO:0013612, OMIM 614185.

Allele frequency attached by ClinVar (database versions not stated): TOPMed below 0.00001; gnomAD 0.00001; ESP Exome Variant Server 0.00008.

Submissions (3):

All of Us Research Program, National Institutes of Health
Classification: Uncertain significance for Marfan syndrome. Last evaluated: 2024-07-29. Review status: criteria provided, single submitter. Criteria: ACMG Guidelines, 2015. Collection method: clinical testing. Allele origin: germline. Inheritance: Autosomal dominant inheritance. Observed: 1 variant allele, 1 heterozygote.
Comment: This missense variant replaces threonine with serine at codon 929 of the FBN1 protein. Computational prediction tools indicate that this variant has a neutral impact on protein structure and function. To our knowledge, functional studies have not been reported for this variant. This variant has not been reported in individuals affected with FBN1-related disorders in the literature. This variant has been identified in 1/251432 chromosomes in the general population by the Genome Aggregation Database (gnomAD). The available evidence is insufficient to determine the role of this variant in disease conclusively. Therefore, this variant is classified as a Variant of Uncertain Significance.

This study involves interpretation of variants in research participants for the purpose of population health screening. Participant phenotype was not available at the time of variant classification. Additional details can be found in publication PMID: 35346344, PMCID: PMC8962531

Fulgent Genetics
Classification: Uncertain significance for Acromicric dysplasia; Ectopia lentis 1, isolated, autosomal dominant; Marfan syndrome; Stiff skin syndrome; MASS syndrome; Weill-Marchesani syndrome 2, dominant; Geleophysic dysplasia 2; Progeroid and marfanoid aspect-lipodystrophy syndrome. Last evaluated: 2022-04-21. Review status: criteria provided, single submitter. Criteria: ACMG Guidelines, 2015. Collection method: clinical testing. Allele origin: unknown.

Women's Health and Genetics/Laboratory Corporation of America, LabCorp
Classification: Uncertain significance. Last evaluated: 2016-05-02. Review status: criteria provided, single submitter. Criteria: LabCorp Variant Classification Summary - May 2015. Collection method: clinical testing. Allele origin: germline.
Comment: Variant summary: The c.2785A>T variant affects a conserved nucleotide, resulting in amino acid change from Thr to Ser. 3/4 in-silico tools predict this variant to be benign. This variant is found in 1/121372 control chromosomes at a frequency of 0.0000082, which does not exceed the maximal expected frequency of a pathogenic allele (0.0001125); however it may still represent as a very rare polymorphism. The variant of interest has not, to our knowledge, been reported in affected individuals via publications and/or reputable databases/clinical laboratories, nor evaluated for functional impact by in vivo/vitro studies. Taken together, this variant has currently been classified as a VUS.